The following is an entry in ClinVar:

ClinVar aggregate classification (germline): Benign. Review status: criteria provided, multiple submitters, no conflicts (2 of 4 stars). 3 submissions from 3 submitters: Benign (2). 1 of the submissions does not count toward it. Last evaluated 2019-12-31.

Conditions:
HIRA-related disorder.

Allele frequency attached by ClinVar (database versions not stated): gnomAD exomes 0.00063 and 0.00149; ExAC 0.00185; ESP Exome Variant Server 0.00523; gnomAD 0.00561 and 0.00594; 1000 Genomes Project 0.00579; TOPMed 0.00603; 1000 Genomes Project 30x 0.00671.
gnomAD v4.1: 1,784 of 1,549,646 alleles (0.12%); highest among the groups gnomAD compares: African/African-American, 1.8%; 17 homozygotes.

Submissions (3):

Labcorp Genetics (formerly Invitae), Labcorp
Classification: Benign. Last evaluated: 2019-12-31. Review status: criteria provided, single submitter. Criteria: Invitae Variant Classification Sherloc (09022015). Collection method: clinical testing. Allele origin: germline.

Breakthrough Genomics
Classification: Benign. Review status: criteria provided, single submitter. Criteria: ACMG Guidelines, 2015. Collection method: not provided. Allele origin: germline. Inheritance: Unknown mechanism. Affected: yes.

PreventionGenetics, part of Exact Sciences
Classification: Benign for HIRA-related condition. Last evaluated: 2019-04-12. Review status: no assertion criteria provided. Collection method: clinical testing. Allele origin: germline. Not counted in ClinVar's aggregate classification.
Comment: This variant is classified as benign based on ACMG/AMP sequence variant interpretation guidelines (Richards et al. 2015 PMID: 25741868, with internal and published modifications).

NM_003325.4(HIRA):c.936+7C>G

Gene: HIRA (histone cell cycle regulator; minus strand). Cytogenetic location: 22q11.21.
Variant type: single nucleotide variant.
Coding change: c.936+7C>G on transcript NM_003325.4 (MANE Select); 7 bases into the intron after coding-DNA position 936, C replaced by G.
Molecular consequence: intron variant.
Genome position (GRCh38, 1-based): chr22:19,392,094, G>C on the plus strand (C>G on the coding strand, the complement: HIRA is on the minus strand). VCF-style: chr22-19392094-G-C. GRCh37 (hg19) VCF-style: chr22-19379617-G-C.
Identifiers: ClinVar variation 788043 (VCV000788043.7), dbSNP rs145774676, ClinGen allele CA10099844.